The following is an entry in ClinVar:

NM_001845.6(COL4A1):c.4007T>C (p.Val1336Ala)

Gene: COL4A1 (collagen type IV alpha 1 chain; minus strand). Cytogenetic location: 13q34.
Variant type: single nucleotide variant.
Coding change: c.4007T>C on transcript NM_001845.6 (MANE Select); coding-DNA position 4007, T replaced by C.
Protein change: p.Val1336Ala; replaces valine 1336 with alanine.
Molecular consequence: missense variant.
Genome position (GRCh38, 1-based): chr13:110,166,246, A>G on the plus strand (T>C on the coding strand, the complement: COL4A1 is on the minus strand). VCF-style: chr13-110166246-A-G. GRCh37 (hg19) VCF-style: chr13-110818593-A-G.
Other names: short protein forms V1336A.
Identifiers: ClinVar variation 2171722 (VCV002171722.4), dbSNP rs2501749683, ClinGen allele CA388660511.
Genomic context (GRCh38, chr13:110,166,246, plus strand): 5'-TCACAAAGCACCAGTAAGGTGTCCACAGATCAACAAACTCTCCTACCTTTAGCTCCCGGG[A>G]CGCCTTGATCGCCTTGATCACCTTTAATTCCCTGGAGGCCAGGAAGACCTTTTGGACCTA-3'
Protein context (NP_001836.3, residues 1326-1346): GIKGDQGDQG[Val1336Ala]PGAKGLPGPP

ClinVar aggregate classification (germline): Uncertain significance (1 of 4 stars; one submission).

Allele frequency attached by ClinVar (database versions not stated): gnomAD exomes below 0.00001.
gnomAD v4.1: 2 of 1,608,348 alleles (0.00012%); highest among the groups gnomAD compares: Admixed American, 0.0033%; no homozygotes.

Submission:

Labcorp Genetics (formerly Invitae), Labcorp
Classification: Uncertain significance. Last evaluated: 2023-06-29. Review status: criteria provided, single submitter. Criteria: Invitae Variant Classification Sherloc (09022015). Collection method: clinical testing. Allele origin: germline.
Comment: In summary, the available evidence is currently insufficient to determine the role of this variant in disease. Therefore, it has been classified as a Variant of Uncertain Significance. An algorithm developed to predict the effect of missense changes on protein structure and function (PolyPhen-2) suggests that this variant is likely to be disruptive. ClinVar contains an entry for this variant (Variation ID: 2171722). This variant has not been reported in the literature in individuals affected with COL4A1-related conditions. This variant is not present in population databases (gnomAD no frequency). This sequence change replaces valine, which is neutral and non-polar, with alanine, which is neutral and non-polar, at codon 1336 of the COL4A1 protein (p.Val1336Ala).